The following is an entry in ClinVar:

ClinVar aggregate classification (germline): Uncertain significance. Review status: criteria provided, multiple submitters, no conflicts (2 of 4 stars). 2 submissions from 2 submitters: Uncertain significance (2). Last evaluated 2025-05-21.

Conditions:
Dilated cardiomyopathy 1HH (CMD1HH). Identifiers: Orphanet 154, MedGen C3151293, MONDO:0013479, OMIM 613881.
Myofibrillar myopathy 6. Identifiers: Orphanet 199340, MedGen C2751831, MONDO:0013061, OMIM 612954.
Cardiovascular phenotype. Identifiers: MedGen CN230736.

Allele frequency attached by ClinVar (database versions not stated): ExAC 0.00001; gnomAD 0.00001; TOPMed 0.00001.
gnomAD v4.1: 7 of 1,614,024 alleles (0.00043%); highest among the groups gnomAD compares: South Asian, 0.0011%; no homozygotes.

Submissions (2):

Labcorp Genetics (formerly Invitae), Labcorp
Classification: Uncertain significance for Dilated cardiomyopathy 1HH; Myofibrillar myopathy 6. Last evaluated: 2025-05-21. Review status: criteria provided, single submitter. Criteria: Invitae Variant Classification Sherloc (09022015). Collection method: clinical testing. Allele origin: germline.
Comment: This sequence change replaces glutamine, which is neutral and polar, with arginine, which is basic and polar, at codon 353 of the BAG3 protein (p.Gln353Arg). This variant is present in population databases (rs764432849, gnomAD 0.003%). This variant has not been reported in the literature in individuals affected with BAG3-related conditions. ClinVar contains an entry for this variant (Variation ID: 852934). Invitae Evidence Modeling of protein sequence and biophysical properties (such as structural, functional, and spatial information, amino acid conservation, physicochemical variation, residue mobility, and thermodynamic stability) has been performed for this missense variant. However, the output from this modeling did not meet the statistical confidence thresholds required to predict the impact of this variant on BAG3 protein function. In summary, the available evidence is currently insufficient to determine the role of this variant in disease. Therefore, it has been classified as a Variant of Uncertain Significance.

Ambry Genetics
Classification: Uncertain significance for Cardiovascular phenotype. Last evaluated: 2025-05-09. Review status: criteria provided, single submitter. Criteria: Ambry Variant Classification Scheme 2023. Collection method: clinical testing. Allele origin: germline.
Comment: The p.Q353R variant (also known as c.1058A>G), located in coding exon 4 of the BAG3 gene, results from an A to G substitution at nucleotide position 1058. The glutamine at codon 353 is replaced by arginine, an amino acid with highly similar properties. This amino acid position is well conserved in available vertebrate species. In addition, this alteration is predicted to be tolerated by in silico analysis. Based on the available evidence, the clinical significance of this variant remains unclear.

NM_004281.4(BAG3):c.1058A>G (p.Gln353Arg)

Gene: BAG3 (BAG cochaperone 3; plus strand). Cytogenetic location: 10q26.11.
Variant type: single nucleotide variant.
Coding change: c.1058A>G on transcript NM_004281.4 (MANE Select); coding-DNA position 1058, A replaced by G.
Protein change: p.Gln353Arg; replaces glutamine 353 with arginine.
Molecular consequence: missense variant.
Genome position (GRCh38, 1-based): chr10:119,676,612, A>G. VCF-style: chr10-119676612-A-G. GRCh37 (hg19) VCF-style: chr10-121436124-A-G.
Other names: short protein forms Q353R.
Identifiers: ClinVar variation 852934 (VCV000852934.8), dbSNP rs764432849, ClinGen allele CA5716477.
Genomic context (GRCh38, chr10:119,676,612, plus strand): 5'-CTCCTGGACACATCCCAATTCAAGTGATCCGCAAAGAGGTGGATTCTAAACCTGTTTCCC[A>G]GAAGCCCCCACCTCCCTCTGAGAAGGTAGAGGTGAAAGTTCCCCCTGCTCCAGTTCCTTG-3'
Protein context (NP_004272.2, residues 343-363): RKEVDSKPVS[Gln353Arg]KPPPPSEKVE